The following is an entry in ClinVar:

ClinVar aggregate classification (germline): Pathogenic. Review status: reviewed by expert panel (3 of 4 stars). 13 submissions from 13 submitters: Pathogenic (1). 12 of the submissions do not count toward it. Last evaluated 2016-09-08.

Conditions:
Inherited breast cancer and ovarian cancer.
BRCA2-related disorder. Also called: BRCA2-related condition; BRCA2-related disorders. Identifiers: MedGen CN239275.
Hereditary cancer-predisposing syndrome. Also called: Hereditary neoplastic syndrome; Neoplastic Syndromes, Hereditary; Hereditary Cancer Syndrome; Tumor predisposition. Identifiers: Orphanet 140162, MedGen C0027672, MeSH D009386, MONDO:0015356.
Hereditary breast ovarian cancer syndrome. Also called: Breast and ovarian cancer; Hereditary breast and ovarian cancer syndrome; BRCA1- and BRCA2-Associated Hereditary Breast and Ovarian Cancer; Hereditary breast and ovarian cancer syndrome (HBOC); Hereditary breast and/or ovarian cancer syndrome; Hereditary breast and ovarian cancer. Identifiers: Orphanet 145, MedGen C0677776, MeSH D061325, MONDO:0003582. Disease mechanism: loss of function.
Breast-ovarian cancer, familial, susceptibility to, 2 (BROVCA2). Also called: BRCA2 Hereditary Breast and Ovarian Cancer. Identifiers: Orphanet 145, MedGen C2675520, MONDO:0012933, OMIM 612555. Disease mechanism: loss of function.
Familial cancer of breast. Also called: hereditary breast carcinoma; Hereditary breast cancer; BREAST CANCER, FAMILIAL. Identifiers: Orphanet 227535, MedGen C0346153, MONDO:0016419, OMIM 114480. Disease mechanism: loss of function.

Allele frequency attached by ClinVar (database versions not stated): gnomAD exomes below 0.00001.

Submissions 1 to 10 of 13:

Evidence-based Network for the Interpretation of Germline Mutant Alleles (ENIGMA)
Classification: Pathogenic for Breast-ovarian cancer, familial, susceptibility to, 2. Last evaluated: 2016-09-08. Review status: reviewed by expert panel. Criteria: ENIGMA BRCA1/2 Classification Criteria (2015). Collection method: curation. Allele origin: germline.
Comment: Variant allele predicted to encode a truncated non-functional protein.

Genetics Laboratory, Great Ormond Street Hospital NHS Foundation Trust, North Thames Genomic Laboratory Hub
Classification: Pathogenic for Inherited breast cancer and ovarian cancer. Last evaluated: 2026-08-17. Review status: criteria provided, single submitter. Criteria: CanVIG BRCA Gene Specific V1.22. Collection method: clinical testing. Allele origin: germline. Affected: yes. Not counted in ClinVar's aggregate classification.
Comment: PS4_supporting, PM2_supporting, PVS1_very-strong, PM5_strong

Variantyx, Inc.
Classification: Pathogenic for Breast-ovarian cancer, familial, susceptibility to, 2. Last evaluated: 2025-10-23. Review status: criteria provided, single submitter. Criteria: Variantyx Assertion Criteria 2022. Collection method: clinical testing. Allele origin: germline. Inheritance: Autosomal dominant inheritance. Affected: yes. Not counted in ClinVar's aggregate classification.
Comment: This is a frameshift variant in the BRCA2 gene (OMIM: 600185). Pathogenic variants in this gene have been associated with autosomal dominant susceptibility to familial breast ovarian cancer 2. This variant introduces a premature termination codon in exon 11¬†out of 27and is expected to result in loss of function, which is a known disease mechanism for BRCA2 in this disorder (PMID: 20301425) (PVS1). This variant has been reported in several unrelated affected individuals (PMID: 18176857, 22025144, 22460208, 23479189, 24549055, 26026974, 28477318, 28680148)., while it is absent from control populations. Other reputable laboratories have reported this variant as pathogenic, and this classification has been validated by an expert panel in ClinVar. Based on the evidence, this variant is classified as pathogenic for autosomal dominant susceptibility to familial breast-ovarian cancer 2.

Molecular Diagnostics Laboratory, Catalan Institute of Oncology
Classification: Pathogenic for Hereditary cancer-predisposing syndrome. Last evaluated: 2025-07-01. Review status: criteria provided, single submitter. Criteria: ClinGen BRCA1BRCA2 ACMG Specifications BRCA2 V1.0.0. Collection method: clinical testing. Allele origin: germline. Not counted in ClinVar's aggregate classification.
Comment: PVS1, PM5_PTC_Strong c.2701del, located in exon 11 of the BRCA2 gene, is a single-nucleotide deletion that causes a translational frameshift with a predicted premature stop codon, p.(Ala902Leufs*2). It is expected to result in loss of function by premature protein truncation and nonsense-mediated mRNA decay (PVS1, PM5_PTC_Strong) and is not present in the population database gnomAD v2.1.1 (non-cancer, exome only subset). To our knowledge, neither relevant clinical data (like case-control or cosegregation studies, or detection in fanconi anemia patients) nor well-established functional studies have been reported for this variant. The variant is recorded in the following databases: BRCA Exchange (Pathogenic: Variant allele predicted to encode a truncated non-functional protein), ClinVar (10x pathogenic) and LOVD (2x uncertain significance, 4x pathogenic). Based on the currently available evidence, c.2701del is classified as a pathogenic variant according to ClinGen-BRCA2 Guidelines v1.0.0.

Ambry Genetics
Classification: Pathogenic for Hereditary cancer-predisposing syndrome. Last evaluated: 2024-06-18. Review status: criteria provided, single submitter. Criteria: Ambry Variant Classification Scheme 2023. Collection method: clinical testing. Allele origin: germline. Not counted in ClinVar's aggregate classification.
Comment: The c.2701delC (p.A902Lfs*2) alteration, located in exon 11 (coding exon 10) of the BRCA2 gene, consists of a deletion of one nucleotide at position 2701, causing a translational frameshift with a predicted alternate stop codon after 2 amino acids. This alteration is expected to result in loss of function by premature protein truncation or nonsense-mediated mRNA decay. This variant was not reported in population-based cohorts in the Genome Aggregation Database (gnomAD). This variant was one of 17 mutations identified in a cohort of Spanish individuals with breast and/or ovarian cancer (Miramar, 2008). This variant was also identified in a cohort of Spanish males with familial breast and ovarian cancer syndrome (de Juan, 2015). Of note, this alteration is also designated as 2929delC, in published literature. Based on the available evidence, this alteration is classified as pathogenic.

Baylor Genetics
Classification: Pathogenic for Familial cancer of breast. Last evaluated: 2024-03-21. Review status: criteria provided, single submitter. Criteria: ACMG Guidelines, 2015. Collection method: clinical testing. Allele origin: unknown. Not counted in ClinVar's aggregate classification.

Color Diagnostics, LLC DBA Color Health
Classification: Pathogenic for Hereditary cancer-predisposing syndrome. Last evaluated: 2023-08-30. Review status: criteria provided, single submitter. Criteria: ACMG Guidelines, 2015. Collection method: clinical testing. Allele origin: germline. Not counted in ClinVar's aggregate classification.
Comment: This variant deletes 1 nucleotide in exon 11 of the BRCA2 gene, creating a frameshift and premature translation stop signal. This variant is expected to result in an absent or non-functional protein product. This variant has been reported in at least 6 individuals affected with breast and/or ovarian cancer (PMID: 18176857, 23479189, 28477318, 28680148, 33471991; Leiden Open Variation Database DB-ID BRCA2_002545) and in families suspected to be affected with hereditary breast and ovarian cancer (PMID: 22460208, 24549055, 29446198). This variant has not been identified in the general population by the Genome Aggregation Database (gnomAD). Loss of BRCA2 function is a known mechanism of disease. Based on the available evidence, this variant is classified as Pathogenic.

Labcorp Genetics (formerly Invitae), Labcorp
Classification: Pathogenic for Hereditary breast ovarian cancer syndrome. Last evaluated: 2023-06-19. Review status: criteria provided, single submitter. Criteria: Invitae Variant Classification Sherloc (09022015). Collection method: clinical testing. Allele origin: germline. Not counted in ClinVar's aggregate classification.
Comment: ClinVar contains an entry for this variant (Variation ID: 51331). This variant is also known as c.2929delC and p.L901fsX903. This premature translational stop signal has been observed in individual(s) with uveal melanoma and colorectal cancer and hereditary breast and ovarian cancer (PMID: 18176857, 22025144, 22460208, 23479189, 24549055, 26026974, 28477318, 28680148). This variant is not present in population databases (gnomAD no frequency). This sequence change creates a premature translational stop signal (p.Ala902Leufs*2) in the BRCA2 gene. It is expected to result in an absent or disrupted protein product. Loss-of-function variants in BRCA2 are known to be pathogenic (PMID: 20104584). For these reasons, this variant has been classified as Pathogenic.

Revvity Omics, Revvity
Classification: Pathogenic. Last evaluated: 2023-04-20. Review status: criteria provided, single submitter. Criteria: ACMG Guidelines, 2015. Collection method: clinical testing. Allele origin: germline. Not counted in ClinVar's aggregate classification.

Women's Health and Genetics/Laboratory Corporation of America, LabCorp
Classification: Pathogenic for Hereditary breast and ovarian cancer syndrome. Last evaluated: 2020-06-29. Review status: criteria provided, single submitter. Criteria: LabCorp Variant Classification Summary - May 2015. Collection method: clinical testing. Allele origin: germline. Not counted in ClinVar's aggregate classification.
Comment: Variant summary: BRCA2 c.2701delC (p.Ala902LeufsX2) results in a premature termination codon, predicted to cause a truncation of the encoded protein or absence of the protein due to nonsense mediated decay, which are commonly known mechanisms for disease. Truncations downstream of this position have been classified as pathogenic by our laboratory. The variant was absent in 242556 control chromosomes. c.2701delC has been extensively reported in the literature in multiple individuals affected with Hereditary Breast And Ovarian Cancer Syndrome and subsequently cited in comprehensive reviews (example, Rebbeck_2018). These data indicate that the variant is very likely to be associated with disease. Three clinical diagnostic laboratories and one expert panel (ENIGMA) have submitted clinical-significance assessments for this variant to ClinVar after 2014 without evidence for independent evaluation. All laboratories classified the variant as pathogenic. Based on the evidence outlined above, the variant was classified as pathogenic.

NM_000059.4(BRCA2):c.2701del (p.Ala902fs)

Gene: BRCA2 (BRCA2 DNA repair associated; plus strand). Cytogenetic location: 13q13.1.
Variant type: Deletion.
Coding change: c.2701del on transcript NM_000059.4 (MANE Select); coding-DNA position 2701, one base deleted (C; older notation c.2701delC).
Protein change: p.Ala902fs; shifts the reading frame from alanine 902.
Molecular consequence: frameshift variant.
Genome position (GRCh38, 1-based): chr13:32,337,056, C deleted. VCF-style (leftmost placement, unchanged base first): chr13-32337055-TC-T. GRCh37 (hg19) VCF-style: chr13-32911192-TC-T.
Other names: c.2701delC (NM_000059.3).
Identifiers: ClinVar variation 51331 (VCV000051331.67), dbSNP rs397507637, ClinGen allele CA016132.